The following is an entry in ClinVar:

ClinVar aggregate classification (germline): Uncertain significance (1 of 4 stars; one submission).

Allele frequency attached by ClinVar (database versions not stated): gnomAD 0.00001; gnomAD exomes 0.00001.
gnomAD v4.1: 5 of 1,613,258 alleles (0.00031%); highest among the groups gnomAD compares: African/African-American, 0.0013%; no homozygotes.

Submission:

Labcorp Genetics (formerly Invitae), Labcorp
Classification: Uncertain significance. Last evaluated: 2022-05-11. Review status: criteria provided, single submitter. Criteria: Invitae Variant Classification Sherloc (09022015). Collection method: clinical testing. Allele origin: germline.
Comment: This sequence change replaces glutamine, which is neutral and polar, with arginine, which is basic and polar, at codon 130 of the CERKL protein (p.Gln130Arg). In summary, the available evidence is currently insufficient to determine the role of this variant in disease. Therefore, it has been classified as a Variant of Uncertain Significance. Algorithms developed to predict the effect of missense changes on protein structure and function output the following: SIFT: "Tolerated"; PolyPhen-2: "Benign"; Align-GVGD: "Class C0". The arginine amino acid residue is found in multiple mammalian species, which suggests that this missense change does not adversely affect protein function. This variant has not been reported in the literature in individuals affected with CERKL-related conditions. This variant is present in population databases (no rsID available, gnomAD 0.0009%).

NM_201548.5(CERKL):c.389A>G (p.Gln130Arg)

Gene: CERKL (CERK like autophagy regulator; minus strand). Cytogenetic location: 2q31.3.
Variant type: single nucleotide variant.
Coding change: c.389A>G on transcript NM_201548.5 (MANE Select); coding-DNA position 389, A replaced by G.
Protein change: p.Gln130Arg; replaces glutamine 130 with arginine.
Molecular consequence: missense variant. On other transcripts: non-coding transcript variant (2).
Genome position (GRCh38, 1-based): chr2:181,603,929, T>C on the plus strand (A>G on the coding strand, the complement: CERKL is on the minus strand). VCF-style: chr2-181603929-T-C. GRCh37 (hg19) VCF-style: chr2-182468656-T-C.
Other names: c.389A>G, p.Gln130Arg (NM_001030311.3, NM_001030312.3, NM_001030313.3 and 3 more transcripts); short protein forms Q130R.
Identifiers: ClinVar variation 1981825 (VCV001981825.4), dbSNP rs1368467104, ClinGen allele CA349730273.